The following is an entry in ClinVar:

ClinVar aggregate classification (germline): Uncertain significance (1 of 4 stars; one submission).

Conditions:
Steel syndrome (STLS). Identifiers: Orphanet 438117, MedGen C3554594, MONDO:0014061, OMIM 615155.

gnomAD v4.1: 5 of 1,613,330 alleles (0.00031%); highest among the groups gnomAD compares: Non-Finnish European, 0.00042%; no homozygotes.

Submission:

Juno Genomics, Hangzhou Juno Genomics, Inc
Classification: Uncertain significance for Steel syndrome. Review status: criteria provided, single submitter. Criteria: ACMG Guidelines, 2015. Collection method: clinical testing. Allele origin: germline. Affected: yes.
Comment: Absent from controls (or at extremely low frequency if recessive) in Genome Aggregation Database, Exome Sequencing Project, 1000 Genomes Project, or Exome Aggregation Consortium.;Multiple lines of computational evidence support a deleterious effect on the gene or gene product (conservation, evolutionary, splicing impact, etc).

NM_032888.4(COL27A1):c.2602G>A (p.Gly868Arg)

Gene: COL27A1 (collagen type XXVII alpha 1 chain; plus strand). Cytogenetic location: 9q32.
Variant type: single nucleotide variant.
Coding change: c.2602G>A on transcript NM_032888.4 (MANE Select); coding-DNA position 2602, G replaced by A.
Protein change: p.Gly868Arg; replaces glycine 868 with arginine.
Molecular consequence: missense variant.
Genome position (GRCh38, 1-based): chr9:114,235,635, G>A. VCF-style: chr9-114235635-G-A. GRCh37 (hg19) VCF-style: chr9-116997915-G-A.
Other names: short protein forms G868R.
Identifiers: ClinVar variation 4531269 (VCV004531269.1).
Genomic context (GRCh38, chr9:114,235,635, plus strand): 5'-CCTTCTTTGCTGGTGTGTACTTAGGGTGAACAAGGGGTTCCAGGTGTGTCAGGAGATCCC[G>A]GATTCCAAGGAGACAAGGTAATTGCATGAGATTTTCCCCTCCCCCTGCCCCTGCCCCTGC-3'
Protein context (NP_116277.2, residues 858-878): QGVPGVSGDP[Gly868Arg]FQGDKGSQGL